The following is an entry in ClinVar:

ClinVar aggregate classification (germline): Pathogenic (1 of 4 stars; one submission).

Conditions:
Inborn genetic diseases. Identifiers: MedGen C0950123, MeSH D030342.

Submission:

Ambry Genetics
Classification: Pathogenic for Inborn genetic diseases. Last evaluated: 2017-09-29. Review status: criteria provided, single submitter. Criteria: Ambry Variant Classification Scheme 2023. Collection method: clinical testing. Allele origin: germline.
Comment: The c.4752delT variant, located in coding exon 25 of the SCN2A gene, results from a deletion of one nucleotide at nucleotide position 4752, causing a translational frameshift with a predicted alternate stop codon (p.L1585Ffs*23). This alteration is expected to result in loss of function by premature protein truncation. As such, this alteration is interpreted as a disease-causing mutation.

NM_001040142.2(SCN2A):c.4752del (p.Leu1585fs)

Gene: SCN2A (sodium voltage-gated channel alpha subunit 2; plus strand). Cytogenetic location: 2q24.3.
Variant type: Deletion.
Coding change: c.4752del on transcript NM_001040142.2 (MANE Select); coding-DNA position 4752, one base deleted (T; older notation c.4752delT).
Protein change: p.Leu1585fs; shifts the reading frame from leucine 1585.
Molecular consequence: frameshift variant.
Genome position (GRCh38, 1-based): chr2:165,386,946, T deleted. VCF-style (leftmost placement, unchanged base first): chr2-165386945-CT-C. GRCh37 (hg19) VCF-style: chr2-166243455-CT-C.
Other names: c.4752del, p.Leu1585fs (NM_001040143.2, NM_001371246.1, NM_001371247.1 and 1 more transcripts); short protein forms L1585fs.
Identifiers: ClinVar variation 1742853 (VCV001742853.2), dbSNP rs2468150040, ClinGen allele CA2580064478.